The following is an entry in ClinVar:

ClinVar aggregate classification (germline): Uncertain significance (1 of 4 stars; one submission).

Conditions:
Ataxia-telangiectasia syndrome (AT). Also called: Ataxia-telangiectasia, complementation group D; AT, COMPLEMENTATION GROUP C; ATAXIA-TELANGIECTASIA, COMPLEMENTATION GROUP A; ATAXIA-TELANGIECTASIA, FRESNO VARIANT; Ataxia-telangiectasia; Ataxia telangiectasia (A-T). Identifiers: Orphanet 100, MedGen C0004135, MONDO:0008840, OMIM 208900.

Submission:

Labcorp Genetics (formerly Invitae), Labcorp
Classification: Uncertain significance for Ataxia-telangiectasia syndrome. Last evaluated: 2025-07-18. Review status: criteria provided, single submitter. Criteria: Invitae Variant Classification Sherloc (09022015). Collection method: clinical testing. Allele origin: germline.
Comment: This sequence change replaces lysine, which is basic and polar, with glutamic acid, which is acidic and polar, at codon 2717 of the ATM protein (p.Lys2717Glu). This variant is not present in population databases (gnomAD no frequency). This variant has not been reported in the literature in individuals affected with ATM-related conditions. ClinVar contains an entry for this variant (Variation ID: 949216). An algorithm developed to predict the effect of missense changes on protein structure and function (PolyPhen-2) suggests that this variant is likely to be disruptive. In summary, the available evidence is currently insufficient to determine the role of this variant in disease. Therefore, it has been classified as a Variant of Uncertain Significance.

NM_000051.4(ATM):c.8149A>G (p.Lys2717Glu)

Genes: ATM (ATM serine/threonine kinase; plus strand), C11orf65 (chromosome 11 open reading frame 65; minus strand). Cytogenetic location: 11q22.3.
Variant type: single nucleotide variant.
Coding change: c.8149A>G on transcript NM_000051.4 (MANE Select); coding-DNA position 8149, A replaced by G.
Protein change: p.Lys2717Glu; replaces lysine 2717 with glutamic acid.
Molecular consequence: missense variant. On other transcripts: intron variant (2).
Genome position (GRCh38, 1-based): chr11:108,335,107, A>G. VCF-style: chr11-108335107-A-G. GRCh37 (hg19) VCF-style: chr11-108205834-A-G.
Other names: c.8149A>G, p.Lys2717Glu (NM_001351834.2); c.641-26036T>C (NM_001330368.2); c.*38+113T>C (NM_001351110.2); short protein forms K2717E.
Identifiers: ClinVar variation 949216 (VCV000949216.10), dbSNP rs774334667, ClinGen allele CA382562260.